The following is an entry in ClinVar:

ClinVar aggregate classification (germline): Uncertain significance (1 of 4 stars; one submission).

gnomAD v4.1: 3 of 1,211,737 alleles (0.00025%); highest among the groups gnomAD compares: Non-Finnish European, 0.00033%; no homozygotes.

Submission:

CeGaT Center for Human Genetics Tuebingen
Classification: Uncertain significance. Last evaluated: 2022-08-01. Review status: criteria provided, single submitter. Criteria: CeGaT Center For Human Genetics Tuebingen Variant Classification Criteria Version 2. Collection method: clinical testing. Allele origin: germline. Affected: yes. Observed: 1 variant allele.
Comment: TLR8: PM2, BP4

NM_138636.5(TLR8):c.2311G>C (p.Gly771Arg)

Genes: TLR8 (toll like receptor 8; plus strand), TLR8-AS1 (TLR8 antisense RNA 1; minus strand). Cytogenetic location: Xp22.2.
Variant type: single nucleotide variant.
Coding change: c.2311G>C on transcript NM_138636.5 (MANE Select); coding-DNA position 2311, G replaced by C.
Protein change: p.Gly771Arg; replaces glycine 771 with arginine.
Molecular consequence: missense variant.
Genome position (GRCh38, 1-based): chrX:12,921,351, G>C. VCF-style: chrX-12921351-G-C. GRCh37 (hg19) VCF-style: chrX-12939470-G-C.
Other names: c.2365G>C, p.Gly789Arg (NM_016610.4); short protein forms G771R, G789R.
Identifiers: ClinVar variation 2660019 (VCV002660019.24), dbSNP rs774325059, ClinGen allele CA412417830.